The following is an entry in ClinVar:

ClinVar aggregate classification (germline): Likely benign. Review status: criteria provided, multiple submitters, no conflicts (2 of 4 stars). 3 submissions from 3 submitters: Likely benign (3). Last evaluated 2025-12-20.

Conditions:
Hereditary cancer-predisposing syndrome. Also called: Neoplastic Syndromes, Hereditary; Hereditary Cancer Syndrome; Tumor predisposition; Hereditary neoplastic syndrome. Identifiers: Orphanet 140162, MedGen C0027672, MeSH D009386, MONDO:0015356.
BAP1-related tumor predisposition syndrome (TPDS1). Also called: COMMON Syndrome; TUMOR PREDISPOSITION SYNDROME 1; Tumor susceptibility linked to germline BAP1 mutations; BAP1 tumor predisposition syndrome. Identifiers: Orphanet 289539, MedGen C3280492, MONDO:0013692, OMIM 614327.

Allele frequency attached by ClinVar (database versions not stated): gnomAD exomes below 0.00001.

Submissions (3):

Labcorp Genetics (formerly Invitae), Labcorp
Classification: Likely benign for BAP1-related tumor predisposition syndrome. Last evaluated: 2025-12-20. Review status: criteria provided, single submitter. Criteria: Invitae Variant Classification Sherloc (09022015). Collection method: clinical testing. Allele origin: germline.

Myriad Genetics, Inc.
Classification: Likely benign for BAP1-related tumor predisposition syndrome. Last evaluated: 2024-07-11. Review status: criteria provided, single submitter. Criteria: Myriad Autosomal Dominant, Autosomal Recessive and X-Linked Classification Criteria (2023). Collection method: clinical testing. Allele origin: unknown.
Comment: This variant is considered likely benign. This variant is intronic and is not expected to impact mRNA splicing.

Color Diagnostics, LLC DBA Color Health
Classification: Likely benign for Hereditary cancer-predisposing syndrome. Last evaluated: 2019-09-09. Review status: criteria provided, single submitter. Criteria: ACMG Guidelines, 2015. Collection method: clinical testing. Allele origin: germline.

NM_004656.4(BAP1):c.255+10A>G

Gene: BAP1 (BRCA1 associated deubiquitinase 1; minus strand). Cytogenetic location: 3p21.1.
Variant type: single nucleotide variant.
Coding change: c.255+10A>G on transcript NM_004656.4 (MANE Select); 10 bases into the intron after coding-DNA position 255, A replaced by G.
Molecular consequence: intron variant.
Genome position (GRCh38, 1-based): chr3:52,408,464, T>C on the plus strand (A>G on the coding strand, the complement: BAP1 is on the minus strand). VCF-style: chr3-52408464-T-C. GRCh37 (hg19) VCF-style: chr3-52442480-T-C.
Identifiers: ClinVar variation 928257 (VCV000928257.8), dbSNP rs1705234650, ClinGen allele CA1139658125.